The following is an entry in ClinVar:

NM_025179.4(PLXNA2):c.5595C>G (p.Ile1865Met)

Gene: PLXNA2 (plexin A2; minus strand). Cytogenetic location: 1q32.2.
Variant type: single nucleotide variant.
Coding change: c.5595C>G on transcript NM_025179.4 (MANE Select); coding-DNA position 5595, C replaced by G.
Protein change: p.Ile1865Met; replaces isoleucine 1865 with methionine.
Molecular consequence: missense variant.
Genome position (GRCh38, 1-based): chr1:208,027,333, G>C on the plus strand (C>G on the coding strand, the complement: PLXNA2 is on the minus strand). VCF-style: chr1-208027333-G-C. GRCh37 (hg19) VCF-style: chr1-208200678-G-C.
Other names: short protein forms I1865M.
Identifiers: ClinVar variation 4741671 (VCV004741671.1).
Genomic context (GRCh38, chr1:208,027,333, plus strand): 5'-CTGCTCCACCTTATAAGCCAGCCGCTGCCGCCGTGCCTGCTCATCCTGCTCTAGGGCCCC[G>C]ATGAGCTGAGGAGCAAAAACAAAGGCAGGAAGACTTCAGGACTCAGAATAGAAGACACCA-3'
Protein context (NP_079455.3, residues 1855-1875): SYVSKYSEEL[Ile1865Met]GALEQDEQAR

ClinVar aggregate classification (germline): Uncertain significance (1 of 4 stars; one submission).

gnomAD v4.1: 1 of 1,612,310 alleles (0.000062%); highest among the groups gnomAD compares: Non-Finnish European, 0.000085%; no homozygotes.

Submission:

Labcorp Genetics (formerly Invitae), Labcorp
Classification: Uncertain significance. Last evaluated: 2025-08-12. Review status: criteria provided, single submitter. Criteria: Invitae Variant Classification Sherloc (09022015). Collection method: clinical testing. Allele origin: germline.
Comment: This sequence change replaces isoleucine, which is neutral and non-polar, with methionine, which is neutral and non-polar, at codon 1865 of the PLXNA2 protein (p.Ile1865Met). This variant is not present in population databases (gnomAD no frequency). This variant has not been reported in the literature in individuals affected with PLXNA2-related conditions. Invitae Evidence Modeling of protein sequence and biophysical properties (such as structural, functional, and spatial information, amino acid conservation, physicochemical variation, residue mobility, and thermodynamic stability) indicates that this missense variant is not expected to disrupt PLXNA2 protein function with a negative predictive value of 80%. In summary, the available evidence is currently insufficient to determine the role of this variant in disease. Therefore, it has been classified as a Variant of Uncertain Significance.